The following is an entry in ClinVar:

ClinVar aggregate classification (germline): Uncertain significance. Review status: criteria provided, single submitter (1 of 4 stars). 2 submissions from 2 submitters: Uncertain significance (1). 1 of the submissions does not count toward it. Last evaluated 2023-12-07.

Conditions:
MYO5B-related disorder. Also called: MYO5B-related condition.

Allele frequency attached by ClinVar (database versions not stated): TOPMed 0.00002; ExAC 0.00003; gnomAD exomes 0.00003; 1000 Genomes Project 0.00020; 1000 Genomes Project 30x 0.00031.
gnomAD v4.1: 44 of 1,614,080 alleles (0.0027%); highest among the groups gnomAD compares: East Asian, 0.0022%; no homozygotes.

Submissions (2):

Labcorp Genetics (formerly Invitae), Labcorp
Classification: Uncertain significance. Last evaluated: 2023-12-07. Review status: criteria provided, single submitter. Criteria: Invitae Variant Classification Sherloc (09022015). Collection method: clinical testing. Allele origin: germline.
Comment: This sequence change replaces threonine, which is neutral and polar, with methionine, which is neutral and non-polar, at codon 1458 of the MYO5B protein (p.Thr1458Met). This variant is present in population databases (rs527698700, gnomAD 0.02%). This variant has not been reported in the literature in individuals affected with MYO5B-related conditions. ClinVar contains an entry for this variant (Variation ID: 2177110). Advanced modeling of protein sequence and biophysical properties (such as structural, functional, and spatial information, amino acid conservation, physicochemical variation, residue mobility, and thermodynamic stability) performed at Invitae indicates that this missense variant is not expected to disrupt MYO5B protein function with a negative predictive value of 80%. In summary, the available evidence is currently insufficient to determine the role of this variant in disease. Therefore, it has been classified as a Variant of Uncertain Significance.

PreventionGenetics, part of Exact Sciences
Classification: Uncertain significance for MYO5B-related condition. Last evaluated: 2024-03-22. Review status: no assertion criteria provided. Collection method: clinical testing. Allele origin: germline. Not counted in ClinVar's aggregate classification.
Comment: The MYO5B c.4373C>T variant is predicted to result in the amino acid substitution p.Thr1458Met. To our knowledge, this variant has not been reported in the literature. This variant is reported in 0.020% of alleles in individuals of Ashkenazi Jewish descent in gnomAD. At this time, the clinical significance of this variant is uncertain due to the absence of conclusive functional and genetic evidence.

NM_001080467.3(MYO5B):c.4373C>T (p.Thr1458Met)

Genes: MYO5B (myosin VB; minus strand), SNHG22 (small nucleolar RNA host gene 22; plus strand). Cytogenetic location: 18q21.1.
Variant type: single nucleotide variant.
Coding change: c.4373C>T on transcript NM_001080467.3 (MANE Select); coding-DNA position 4373, C replaced by T.
Protein change: p.Thr1458Met; replaces threonine 1458 with methionine.
Molecular consequence: missense variant.
Genome position (GRCh38, 1-based): chr18:49,847,232, G>A on the plus strand (C>T on the coding strand, the complement: MYO5B is on the minus strand). VCF-style: chr18-49847232-G-A. GRCh37 (hg19) VCF-style: chr18-47373602-G-A.
Other names: c.4373C>T (NM_001080467.2); short protein forms T1458M.
Identifiers: ClinVar variation 2177110 (VCV002177110.3), dbSNP rs527698700, ClinGen allele CA8960382.